The following is an entry in ClinVar:

ClinVar aggregate classification (germline): Likely benign. Review status: criteria provided, multiple submitters, no conflicts (2 of 4 stars). 2 submissions from 2 submitters: Likely benign (2). Last evaluated 2023-03-18.

Conditions:
Catecholaminergic polymorphic ventricular tachycardia 1. Also called: VENTRICULAR TACHYCARDIA, STRESS-INDUCED POLYMORPHIC 1; VENTRICULAR TACHYCARDIA, CATECHOLAMINERGIC POLYMORPHIC, 1, WITH OR WITHOUT ATRIAL DYSFUNCTION AND/OR DILATED CARDIOMYOPATHY; RYR2-Related Catecholaminergic Polymorphic Ventricular Tachycardia. Identifiers: Orphanet 3286, MedGen C1631597, MONDO:0011484, OMIM 604772.
Catecholaminergic polymorphic ventricular tachycardia (CVPT). Also called: Catecholamine-induced polymorphic ventricular tachycardia. Identifiers: Orphanet 3286, MedGen C5574922, MONDO:0017990.

Allele frequency attached by ClinVar (database versions not stated): gnomAD exomes below 0.00001; TOPMed below 0.00001.
gnomAD v4.1: 2 of 1,499,396 alleles (0.00013%); highest among the groups gnomAD compares: Admixed American, 0.0039%; no homozygotes.

Submissions (2):

Labcorp Genetics (formerly Invitae), Labcorp
Classification: Likely benign for Catecholaminergic polymorphic ventricular tachycardia 1. Last evaluated: 2023-03-18. Review status: criteria provided, single submitter. Criteria: Invitae Variant Classification Sherloc (09022015). Collection method: clinical testing. Allele origin: germline.

All of Us Research Program, National Institutes of Health
Classification: Likely benign for Catecholaminergic polymorphic ventricular tachycardia. Last evaluated: 2023-02-24. Review status: criteria provided, single submitter. Criteria: ACMG Guidelines, 2015. Collection method: clinical testing. Allele origin: germline. Inheritance: Autosomal dominant inheritance. Observed: 1 variant allele, 1 heterozygote.
Comment: This study involves interpretation of variants in research participants for the purpose of population health screening. Participant phenotype was not available at the time of variant classification. Additional details can be found in publication PMID: 35346344, PMCID: PMC8962531

NM_001035.3(RYR2):c.9897A>G (p.Leu3299=)

Gene: RYR2 (ryanodine receptor 2; plus strand). Cytogenetic location: 1q43.
Variant type: single nucleotide variant.
Coding change: c.9897A>G on transcript NM_001035.3 (MANE Select); coding-DNA position 9897, A replaced by G.
Protein change: p.Leu3299=; no amino-acid change (leucine 3299 retained).
Molecular consequence: synonymous variant.
Genome position (GRCh38, 1-based): chr1:237,707,265, A>G. VCF-style: chr1-237707265-A-G. GRCh37 (hg19) VCF-style: chr1-237870565-A-G.
Identifiers: ClinVar variation 2050591 (VCV002050591.5), dbSNP rs1239008378, ClinGen allele CA423819392.